The following is an entry in ClinVar:

NM_001792.5(CDH2):c.1622C>T (p.Ala541Val)

Gene: CDH2 (cadherin 2; minus strand). Cytogenetic location: 18q12.1.
Variant type: single nucleotide variant.
Coding change: c.1622C>T on transcript NM_001792.5 (MANE Select); coding-DNA position 1622, C replaced by T.
Protein change: p.Ala541Val; replaces alanine 541 with valine.
Molecular consequence: missense variant.
Genome position (GRCh38, 1-based): chr18:27,988,643, G>A on the plus strand (C>T on the coding strand, the complement: CDH2 is on the minus strand). VCF-style: chr18-27988643-G-A. GRCh37 (hg19) VCF-style: chr18-25568607-G-A.
Other names: c.1529C>T, p.Ala510Val (NM_001308176.2); short protein forms A510V, A541V.
Identifiers: ClinVar variation 2586027 (VCV002586027.2), dbSNP rs2510795669, ClinGen allele CA402108170.

ClinVar aggregate classification (germline): Uncertain significance (1 of 4 stars; one submission).

Conditions:
Inborn genetic diseases. Identifiers: MedGen C0950123, MeSH D030342.

Submission:

Ambry Genetics
Classification: Uncertain significance for Inborn genetic diseases. Last evaluated: 2023-06-18. Review status: criteria provided, single submitter. Criteria: Ambry Variant Classification Scheme 2023. Collection method: clinical testing. Allele origin: germline.
Comment: The p.A541V variant (also known as c.1622C>T), located in coding exon 11 of the CDH2 gene, results from a C to T substitution at nucleotide position 1622. The alanine at codon 541 is replaced by valine, an amino acid with similar properties. This amino acid position is conserved. In addition, the in silico prediction for this alteration is inconclusive. Since supporting evidence is limited at this time, the clinical significance of this alteration remains unclear.